The following is an entry in ClinVar:

ClinVar aggregate classification (germline): Uncertain significance (1 of 4 stars; one submission).

Conditions:
Juvenile polyposis syndrome (JPS). Identifiers: Orphanet 2929, MedGen C0345893, MONDO:0017380, OMIM 174900.

Submission:

Labcorp Genetics (formerly Invitae), Labcorp
Classification: Uncertain significance for Juvenile polyposis syndrome. Last evaluated: 2024-04-29. Review status: criteria provided, single submitter. Criteria: Invitae Variant Classification Sherloc (09022015). Collection method: clinical testing. Allele origin: germline.
Comment: This sequence change replaces cysteine, which is neutral and slightly polar, with glycine, which is neutral and non-polar, at codon 443 of the SMAD4 protein (p.Cys443Gly). This variant is not present in population databases (gnomAD no frequency). This variant has not been reported in the literature in individuals affected with SMAD4-related conditions. ClinVar contains an entry for this variant (Variation ID: 1720117). Advanced modeling of protein sequence and biophysical properties (such as structural, functional, and spatial information, amino acid conservation, physicochemical variation, residue mobility, and thermodynamic stability) has been performed at Invitae for this missense variant, however the output from this modeling did not meet the statistical confidence thresholds required to predict the impact of this variant on SMAD4 protein function. In summary, the available evidence is currently insufficient to determine the role of this variant in disease. Therefore, it has been classified as a Variant of Uncertain Significance.

NM_005359.6(SMAD4):c.1327T>G (p.Cys443Gly)

Gene: SMAD4 (SMAD family member 4; plus strand). Cytogenetic location: 18q21.2.
Variant type: single nucleotide variant.
Coding change: c.1327T>G on transcript NM_005359.6 (MANE Select); coding-DNA position 1327, T replaced by G.
Protein change: p.Cys443Gly; replaces cysteine 443 with glycine.
Molecular consequence: missense variant.
Genome position (GRCh38, 1-based): chr18:51,076,656, T>G. VCF-style: chr18-51076656-T-G. GRCh37 (hg19) VCF-style: chr18-48603026-T-G.
Other names: c.1327T>G, p.Cys443Gly (NM_001407041.1, NM_001407042.1); short protein forms C443G.
Identifiers: ClinVar variation 1720117 (VCV001720117.5), dbSNP rs2144473584, ClinGen allele CA402465142.